The following is an entry in ClinVar:

NM_007217.4(PDCD10):c.370dup (p.Arg124fs)

Gene: PDCD10 (programmed cell death 10; minus strand). Cytogenetic location: 3q26.1.
Variant type: Duplication.
Coding change: c.370dup on transcript NM_007217.4 (MANE Select); coding-DNA position 370, one base duplicated (A; older notation c.370dupA).
Protein change: p.Arg124fs; shifts the reading frame from arginine 124.
Molecular consequence: frameshift variant.
Genome position (GRCh38, 1-based): chr3:167,695,621, T duplicated on the plus strand (A on the coding strand, the reverse complement: PDCD10 is on the minus strand). VCF-style (leftmost placement, unchanged base first): chr3-167695620-C-CT. GRCh37 (hg19) VCF-style: chr3-167413408-C-CT.
Other names: c.370dup, p.Arg124fs (NM_145859.2, NM_145860.2); c.370dupA (NM_145860.1); short protein forms R124fs.
Identifiers: ClinVar variation 524065 (VCV000524065.2), dbSNP rs1553760888, ClinGen allele CA658796389.

ClinVar aggregate classification (germline): Pathogenic (1 of 4 stars; one submission).

Submission:

GeneDx
Classification: Pathogenic. Last evaluated: 2018-03-29. Review status: criteria provided, single submitter. Criteria: GeneDx Variant Classification (06012015). Collection method: clinical testing. Allele origin: germline. Affected: yes.
Comment: The c.370dupA variant in the PDCD10 gene has not been reported previously as a pathogenic variant nor as a benign variant, to our knowledge. The c.370dupA variant causes a frameshift starting with codon Arginine 124, changes this amino acid to a Lysine residue, and creates a premature Stop codon at position 13 of the new reading frame, denoted p.Arg124LysfsX13. This variant is predicted to cause loss of normal protein function either through protein truncation or nonsense-mediated mRNA decay. The c.370dupA variant is not observed in large population cohorts (Lek et al., 2016).